The following is an entry in ClinVar:

NM_004484.4(GPC3):c.1311A>C (p.Ala437=)

Gene: GPC3 (glypican 3; minus strand). Cytogenetic location: Xq26.2.
Variant type: single nucleotide variant.
Coding change: c.1311A>C on transcript NM_004484.4 (MANE Select); coding-DNA position 1311, A replaced by C.
Protein change: p.Ala437=; no amino-acid change (alanine 437 retained).
Molecular consequence: synonymous variant.
Genome position (GRCh38, 1-based): chrX:133,661,832, T>G on the plus strand (A>C on the coding strand, the complement: GPC3 is on the minus strand). VCF-style: chrX-133661832-T-G. GRCh37 (hg19) VCF-style: chrX-132795860-T-G.
Other names: c.1380A>C, p.Ala460= (NM_001164617.2); c.1263A>C, p.Ala421= (NM_001164618.2); c.1149A>C, p.Ala383= (NM_001164619.2).
Identifiers: ClinVar variation 4085802 (VCV004085802.8).

ClinVar aggregate classification (germline): Likely benign (1 of 4 stars; one submission).

Submission:

CeGaT Center for Human Genetics Tuebingen
Classification: Likely benign. Last evaluated: 2025-08-01. Review status: criteria provided, single submitter. Criteria: CeGaT Center For Human Genetics Tuebingen Variant Classification Criteria Version 2. Collection method: clinical testing. Allele origin: germline. Affected: yes. Observed: 1 variant allele.
Comment: GPC3: PM2:Supporting, BP4, BP7